The following is an entry in ClinVar:

ClinVar aggregate classification (germline): Uncertain significance. Review status: criteria provided, multiple submitters, no conflicts (2 of 4 stars). 2 submissions from 2 submitters: Uncertain significance (2). Last evaluated 2025-08-13.

Conditions:
Inborn genetic diseases. Identifiers: MedGen C0950123, MeSH D030342.

Allele frequency attached by ClinVar (database versions not stated): TOPMed 0.00001.

Submissions (2):

Ambry Genetics
Classification: Uncertain significance for Inborn genetic diseases. Last evaluated: 2025-08-13. Review status: criteria provided, single submitter. Criteria: Ambry Variant Classification Scheme 2023. Collection method: clinical testing. Allele origin: germline.

Labcorp Genetics (formerly Invitae), Labcorp
Classification: Uncertain significance. Last evaluated: 2022-02-04. Review status: criteria provided, single submitter. Criteria: Invitae Variant Classification Sherloc (09022015). Collection method: clinical testing. Allele origin: germline.
Comment: This sequence change replaces arginine, which is basic and polar, with glutamine, which is neutral and polar, at codon 126 of the ADAMTSL4 protein (p.Arg126Gln). This variant is present in population databases (rs587699176, gnomAD 0.005%). This variant has not been reported in the literature in individuals affected with ADAMTSL4-related conditions. Algorithms developed to predict the effect of missense changes on protein structure and function output the following: SIFT: "Tolerated"; PolyPhen-2: "Benign"; Align-GVGD: "Class C0". The glutamine amino acid residue is found in multiple mammalian species, which suggests that this missense change does not adversely affect protein function. In summary, the available evidence is currently insufficient to determine the role of this variant in disease. Therefore, it has been classified as a Variant of Uncertain Significance.

NM_019032.6(ADAMTSL4):c.377G>A (p.Arg126Gln)

Genes: ADAMTSL4 (ADAMTS like 4; plus strand), ADAMTSL4-AS2 (ADAMTSL4 antisense RNA 2; minus strand). Cytogenetic location: 1q21.2.
Variant type: single nucleotide variant.
Coding change: c.377G>A on transcript NM_019032.6 (MANE Select); coding-DNA position 377, G replaced by A.
Protein change: p.Arg126Gln; replaces arginine 126 with glutamine.
Molecular consequence: missense variant.
Genome position (GRCh38, 1-based): chr1:150,553,196, G>A. VCF-style: chr1-150553196-G-A. GRCh37 (hg19) VCF-style: chr1-150525672-G-A.
Other names: c.377G>A, p.Arg126Gln (NM_001288607.2, NM_001288608.2, NM_001378596.1 and 1 more transcripts); c.377G>A (NM_019032.4); short protein forms R126Q.
Identifiers: ClinVar variation 2414441 (VCV002414441.5), dbSNP rs587699176, ClinGen allele CA1077934.